The following is an entry in ClinVar:

ClinVar aggregate classification (germline): Conflicting classifications of pathogenicity. Review status: criteria provided, conflicting classifications (1 of 4 stars). 2 submissions from 2 submitters: Uncertain significance (1); Likely benign (1). Last evaluated 2026-08-01.

Conditions:
Familial episodic pain syndrome with predominantly upper body involvement. Also called: Familial episodic pain syndrome 1. Identifiers: Orphanet 391384, Orphanet 391389, MedGen C3808667, MONDO:0014021, OMIM 615040.

Allele frequency attached by ClinVar (database versions not stated): ExAC 0.00002; TOPMed 0.00008; gnomAD 0.00009; ESP Exome Variant Server 0.00023; gnomAD exomes 0.00024.
gnomAD v4.1: 357 of 1,613,802 alleles (0.022%); highest among the groups gnomAD compares: Non-Finnish European, 0.029%; no homozygotes.

Submissions (2):

CeGaT Center for Human Genetics Tuebingen
Classification: Likely benign. Last evaluated: 2026-08-01. Review status: criteria provided, single submitter. Criteria: CeGaT Center For Human Genetics Tuebingen Variant Classification Criteria Version 2. Collection method: clinical testing. Allele origin: germline. Affected: yes. Observed: 2 variant alleles.
Comment: TRPA1: BS2

Department of Pathology and Laboratory Medicine, Sinai Health System
Classification: Uncertain significance for Familial episodic pain syndrome with predominantly upper body involvement. Last evaluated: 2023-06-02. Review status: criteria provided, single submitter. Criteria: ACMG Guidelines, 2015. Collection method: research. Allele origin: germline.

NM_007332.3(TRPA1):c.2755C>T (p.Arg919Ter)

Genes: MSC-AS1 (MSC antisense RNA 1; plus strand), TRPA1 (transient receptor potential cation channel subfamily A member 1; minus strand), LOC126860417 (BRD4-independent group 4 enhancer GRCh37_chr8:72945660-72946859; plus strand). Cytogenetic location: 8q21.11.
Variant type: single nucleotide variant.
Coding change: c.2755C>T on transcript NM_007332.3 (MANE Select); coding-DNA position 2755, C replaced by T.
Protein change: p.Arg919Ter; replaces arginine 919 with a stop codon.
Molecular consequence: nonsense.
Genome position (GRCh38, 1-based): chr8:72,033,757, G>A on the plus strand (C>T on the coding strand, the complement: TRPA1 is on the minus strand). VCF-style: chr8-72033757-G-A. GRCh37 (hg19) VCF-style: chr8-72945992-G-A.
Other names: short protein forms R919*.
Identifiers: ClinVar variation 2673151 (VCV002673151.24), dbSNP rs147706025, ClinGen allele CA4780424.